The following is an entry in ClinVar:

NM_001080442.3(SLC38A8):c.416C>T (p.Pro139Leu)

Gene: SLC38A8 (solute carrier family 38 member 8; minus strand). Cytogenetic location: 16q23.3.
Variant type: single nucleotide variant.
Coding change: c.416C>T on transcript NM_001080442.3 (MANE Select); coding-DNA position 416, C replaced by T.
Protein change: p.Pro139Leu; replaces proline 139 with leucine.
Molecular consequence: missense variant.
Genome position (GRCh38, 1-based): chr16:84,033,442, G>A on the plus strand (C>T on the coding strand, the complement: SLC38A8 is on the minus strand). VCF-style: chr16-84033442-G-A. GRCh37 (hg19) VCF-style: chr16-84067047-G-A.
Other names: c.416C>T (NM_001080442.1); short protein forms P139L.
Identifiers: ClinVar variation 2187488 (VCV002187488.6), dbSNP rs371968857, ClinGen allele CA8200299.

ClinVar aggregate classification (germline): Uncertain significance. Review status: criteria provided, multiple submitters, no conflicts (2 of 4 stars). 3 submissions from 3 submitters: Uncertain significance (3). Last evaluated 2026-07-20.

Conditions:
Inborn genetic diseases. Identifiers: MedGen C0950123, MeSH D030342.

Allele frequency attached by ClinVar (database versions not stated): ESP Exome Variant Server 0.00015; TOPMed 0.00026; ExAC 0.00010; gnomAD 0.00027.
gnomAD v4.1: 112 of 1,610,226 alleles (0.007%); highest among the groups gnomAD compares: African/African-American, 0.076%; 1 homozygote.

Submissions (3):

Ambry Genetics
Classification: Uncertain significance for Inborn genetic diseases. Last evaluated: 2026-07-20. Review status: criteria provided, single submitter. Criteria: Ambry Variant Classification Scheme 2023. Collection method: clinical testing. Allele origin: germline.
Comment: The c.416C>T (p.P139L) alteration is located in exon 3 (coding exon 3) of the SLC38A8 gene. This alteration results from a C to T substitution at nucleotide position 416, causing the proline (P) at amino acid position 139 to be replaced by a leucine (L). Based on data from gnomAD, the T allele has an overall frequency of 0.014% (38/276996) total alleles studied. The highest observed frequency was 0.086% (21/24574) of African alleles. Based on insufficient or conflicting evidence, the clinical significance of this alteration remains unclear.

Dasa
Classification: Uncertain significance. Last evaluated: 2025-02-21. Review status: criteria provided, single submitter. Criteria: DASA Assertion Criteria. Collection method: clinical testing. Allele origin: germline.
Comment: NM_001080442.3(SLC38A8):c.416C>T (p.Pro139Leu) is a missense variant that results in the substitution of proline with leucine. This variant is rare in population databases. Computational prediction algorithms are consistent with a benign effect. The currently available literature and clinical evidence are not sufficient to establish a definitive association between this variant and the reported condition. Therefore, this variant is classified as a variant of uncertain significance.

Labcorp Genetics (formerly Invitae), Labcorp
Classification: Uncertain significance. Last evaluated: 2022-03-17. Review status: criteria provided, single submitter. Criteria: Invitae Variant Classification Sherloc (09022015). Collection method: clinical testing. Allele origin: germline.
Comment: This sequence change replaces proline, which is neutral and non-polar, with leucine, which is neutral and non-polar, at codon 139 of the SLC38A8 protein (p.Pro139Leu). This variant is present in population databases (rs371968857, gnomAD 0.09%). This variant has not been reported in the literature in individuals affected with SLC38A8-related conditions. Algorithms developed to predict the effect of missense changes on protein structure and function output the following: SIFT: "Tolerated"; PolyPhen-2: "Benign"; Align-GVGD: "Class C0". The leucine amino acid residue is found in multiple mammalian species, which suggests that this missense change does not adversely affect protein function. In summary, the available evidence is currently insufficient to determine the role of this variant in disease. Therefore, it has been classified as a Variant of Uncertain Significance.